The following is an entry in ClinVar:

ClinVar aggregate classification (germline): Benign/Likely benign. Review status: criteria provided, multiple submitters, no conflicts (2 of 4 stars). 4 submissions from 4 submitters: Benign (1); Likely benign (3). Last evaluated 2025-12-29.

Conditions:
Hereditary cancer-predisposing syndrome. Also called: Tumor predisposition; Hereditary Cancer Syndrome; Neoplastic Syndromes, Hereditary; Hereditary neoplastic syndrome. Identifiers: Orphanet 140162, MedGen C0027672, MeSH D009386, MONDO:0015356.
Familial cancer of breast. Also called: Hereditary breast cancer; BREAST CANCER, FAMILIAL; hereditary breast carcinoma. Identifiers: Orphanet 227535, MedGen C0346153, MONDO:0016419, OMIM 114480. Disease mechanism: loss of function.
Ataxia-telangiectasia syndrome (AT). Also called: Ataxia telangiectasia (A-T); Cerebello-oculocutaneous telangiectasia; Immunodeficiency with ataxia telangiectasia; LOUIS-BAR SYNDROME; ATAXIA-TELANGIECTASIA, FRESNO VARIANT; Ataxia-telangiectasia, complementation group D. Identifiers: Orphanet 100, MedGen C0004135, MONDO:0008840, OMIM 208900.

Allele frequency attached by ClinVar (database versions not stated): TOPMed 0.00001.

Submissions (4):

Center for Genomic Medicine, Rigshospitalet, Copenhagen University Hospital
Classification: Likely benign. Last evaluated: 2025-12-29. Review status: criteria provided, single submitter. Criteria: ACMG Guidelines, 2015. Collection method: clinical testing. Allele origin: germline.
Comment: Classification criteria: BP4, BP7

Myriad Genetics, Inc.
Classification: Benign for Familial cancer of breast. Last evaluated: 2024-05-20. Review status: criteria provided, single submitter. Criteria: Myriad Autosomal Dominant, Autosomal Recessive and X-Linked Classification Criteria (2023). Collection method: clinical testing. Allele origin: unknown.
Comment: This variant is considered benign. This variant is a silent/synonymous amino acid change and it is not expected to impact splicing.

Labcorp Genetics (formerly Invitae), Labcorp
Classification: Likely benign for Ataxia-telangiectasia syndrome. Last evaluated: 2022-10-27. Review status: criteria provided, single submitter. Criteria: Invitae Variant Classification Sherloc (09022015). Collection method: clinical testing. Allele origin: germline.

Color Diagnostics, LLC DBA Color Health
Classification: Likely benign for Hereditary cancer-predisposing syndrome. Last evaluated: 2018-03-23. Review status: criteria provided, single submitter. Criteria: ACMG Guidelines, 2015. Collection method: clinical testing. Allele origin: germline.

NM_000051.4(ATM):c.4599G>A (p.Glu1533=)

Gene: ATM (ATM serine/threonine kinase; plus strand). Cytogenetic location: 11q22.3.
Variant type: single nucleotide variant.
Coding change: c.4599G>A on transcript NM_000051.4 (MANE Select); coding-DNA position 4599, G replaced by A.
Protein change: p.Glu1533=; no amino-acid change (glutamic acid 1533 retained).
Molecular consequence: synonymous variant.
Genome position (GRCh38, 1-based): chr11:108,292,781, G>A. VCF-style: chr11-108292781-G-A. GRCh37 (hg19) VCF-style: chr11-108163508-G-A.
Other names: c.4599G>A, p.Glu1533= (NM_001351834.2).
Identifiers: ClinVar variation 759610 (VCV000759610.13), dbSNP rs1274454004, ClinGen allele CA476674253.